The following is an entry in ClinVar:

ClinVar aggregate classification (germline): Uncertain significance (1 of 4 stars; one submission).

Conditions:
Infantile myofibromatosis (IMF). Also called: Congenital generalized fibromatosis. Identifiers: Orphanet 2591, MedGen C0432284, MONDO:0016824.
Skeletal overgrowth-craniofacial dysmorphism-hyperelastic skin-white matter lesions syndrome. Also called: SKELETAL OVERGROWTH WITH FACIAL DYSMORPHISM, HYPERELASTIC SKIN, WHITE MATTER LESIONS, AND NEUROLOGIC DETERIORATION; Kosaki overgrowth syndrome. Identifiers: Orphanet 477831, MedGen C4225270, MONDO:0014704, OMIM 616592.
Basal ganglia calcification, idiopathic, 4 (PFBC4). Also called: Familial Idiopathic Basal Ganglia Calcification 4; PRIMARY FAMILIAL BRAIN CALCIFICATION 4, AUTOSOMAL DOMINANT. Identifiers: Orphanet 1980, MedGen C3554321, MONDO:0014004, OMIM 615007.
Acroosteolysis-keloid-like lesions-premature aging syndrome. Also called: Premature aging syndrome, Penttinen type; Prematurely aged appearance, delayed bone maturation, acro-osteolysis, and brachydactyly; Progeroid syndrome, Penttinen type. Identifiers: Orphanet 363665, MedGen C1866182, MONDO:0011150, OMIM 601812.

Allele frequency attached by ClinVar (database versions not stated): TOPMed below 0.00001.
gnomAD v4.1: 2 of 1,613,582 alleles (0.00012%); highest among the groups gnomAD compares: Non-Finnish European, 0.00017%; no homozygotes.

Submission:

Labcorp Genetics (formerly Invitae), Labcorp
Classification: Uncertain significance for Basal ganglia calcification, idiopathic, 4; Skeletal overgrowth-craniofacial dysmorphism-hyperelastic skin-white matter lesions syndrome; Infantile myofibromatosis; Acroosteolysis-keloid-like lesions-premature aging syndrome. Last evaluated: 2023-10-03. Review status: criteria provided, single submitter. Criteria: Invitae Variant Classification Sherloc (09022015). Collection method: clinical testing. Allele origin: germline.
Comment: This sequence change replaces tyrosine, which is neutral and polar, with cysteine, which is neutral and slightly polar, at codon 914 of the PDGFRB protein (p.Tyr914Cys). This variant is present in population databases (no rsID available, gnomAD 0.0009%). This variant has not been reported in the literature in individuals affected with PDGFRB-related conditions. ClinVar contains an entry for this variant (Variation ID: 2194721). Advanced modeling of protein sequence and biophysical properties (such as structural, functional, and spatial information, amino acid conservation, physicochemical variation, residue mobility, and thermodynamic stability) performed at Invitae indicates that this missense variant is not expected to disrupt PDGFRB protein function. In summary, the available evidence is currently insufficient to determine the role of this variant in disease. Therefore, it has been classified as a Variant of Uncertain Significance.

NM_002609.4(PDGFRB):c.2741A>G (p.Tyr914Cys)

Gene: PDGFRB (platelet derived growth factor receptor beta; minus strand). Cytogenetic location: 5q32.
Variant type: single nucleotide variant.
Coding change: c.2741A>G on transcript NM_002609.4 (MANE Select); coding-DNA position 2741, A replaced by G.
Protein change: p.Tyr914Cys; replaces tyrosine 914 with cysteine.
Molecular consequence: missense variant.
Genome position (GRCh38, 1-based): chr5:150,119,524, T>C on the plus strand (A>G on the coding strand, the complement: PDGFRB is on the minus strand). VCF-style: chr5-150119524-T-C. GRCh37 (hg19) VCF-style: chr5-149499087-T-C.
Other names: c.2549A>G, p.Tyr850Cys (NM_001355016.2); c.2258A>G, p.Tyr753Cys (NM_001355017.2); short protein forms Y753C, Y850C, Y914C.
Identifiers: ClinVar variation 2194721 (VCV002194721.4), dbSNP rs1436303129, ClinGen allele CA361757640.